The following is an entry in ClinVar:

NM_001367561.1(DOCK7):c.3057G>T (p.Met1019Ile)

Gene: DOCK7 (dedicator of cytokinesis 7; minus strand). Cytogenetic location: 1p31.3.
Variant type: single nucleotide variant.
Coding change: c.3057G>T on transcript NM_001367561.1 (MANE Select); coding-DNA position 3057, G replaced by T.
Protein change: p.Met1019Ile; replaces methionine 1019 with isoleucine.
Molecular consequence: missense variant.
Genome position (GRCh38, 1-based): chr1:62,539,881, C>A on the plus strand (G>T on the coding strand, the complement: DOCK7 is on the minus strand). VCF-style: chr1-62539881-C-A. GRCh37 (hg19) VCF-style: chr1-63005552-C-A.
Other names: c.3057G>T, p.Met1019Ile (NM_001271999.2, NM_001330614.2); c.2964G>T, p.Met988Ile (NM_001272000.2, NM_001272001.2, NM_033407.4); short protein forms M988I, M1019I.
Identifiers: ClinVar variation 856491 (VCV000856491.8), dbSNP rs1645470435, ClinGen allele CA340610686.

ClinVar aggregate classification (germline): Uncertain significance (1 of 4 stars; one submission).

Conditions:
Developmental and epileptic encephalopathy, 23 (DEE23). Also called: Epileptic encephalopathy, early infantile, 23. Identifiers: Orphanet 411986, MedGen C4014492, MONDO:0014371, OMIM 615859.

Submission:

Labcorp Genetics (formerly Invitae), Labcorp
Classification: Uncertain significance for Developmental and epileptic encephalopathy, 23. Last evaluated: 2022-03-19. Review status: criteria provided, single submitter. Criteria: Invitae Variant Classification Sherloc (09022015). Collection method: clinical testing. Allele origin: germline.
Comment: This sequence change replaces methionine, which is neutral and non-polar, with isoleucine, which is neutral and non-polar, at codon 1019 of the DOCK7 protein (p.Met1019Ile). In summary, the available evidence is currently insufficient to determine the role of this variant in disease. Therefore, it has been classified as a Variant of Uncertain Significance. Algorithms developed to predict the effect of missense changes on protein structure and function (SIFT, PolyPhen-2, Align-GVGD) all suggest that this variant is likely to be tolerated. ClinVar contains an entry for this variant (Variation ID: 856491). This variant has not been reported in the literature in individuals affected with DOCK7-related conditions. This variant is not present in population databases (gnomAD no frequency).